The following is an entry in ClinVar:

NM_020821.3(VPS13C):c.10509A>C (p.Arg3503Ser)

Gene: VPS13C (vacuolar protein sorting 13 homolog C; minus strand). Cytogenetic location: 15q22.2.
Variant type: single nucleotide variant.
Coding change: c.10509A>C on transcript NM_020821.3 (MANE Select); coding-DNA position 10509, A replaced by C.
Protein change: p.Arg3503Ser; replaces arginine 3503 with serine.
Molecular consequence: missense variant.
Genome position (GRCh38, 1-based): chr15:61,873,315, T>G on the plus strand (A>C on the coding strand, the complement: VPS13C is on the minus strand). VCF-style: chr15-61873315-T-G. GRCh37 (hg19) VCF-style: chr15-62165514-T-G.
Other names: c.10509A>C, p.Arg3503Ser (NM_001018088.3); c.10380A>C, p.Arg3460Ser (NM_017684.5, NM_018080.4); short protein forms R3460S, R3503S.
Identifiers: ClinVar variation 2122721 (VCV002122721.4), dbSNP rs1353658877, ClinGen allele CA392669888.

ClinVar aggregate classification (germline): Uncertain significance (1 of 4 stars; one submission).

Submission:

Labcorp Genetics (formerly Invitae), Labcorp
Classification: Uncertain significance. Last evaluated: 2022-04-07. Review status: criteria provided, single submitter. Criteria: Invitae Variant Classification Sherloc (09022015). Collection method: clinical testing. Allele origin: germline.
Comment: In summary, the available evidence is currently insufficient to determine the role of this variant in disease. Therefore, it has been classified as a Variant of Uncertain Significance. Algorithms developed to predict the effect of missense changes on protein structure and function are either unavailable or do not agree on the potential impact of this missense change (SIFT: "Deleterious"; PolyPhen-2: "Probably Damaging"; Align-GVGD: "Class C0"). This variant has not been reported in the literature in individuals affected with VPS13C-related conditions. This variant is not present in population databases (gnomAD no frequency). This sequence change replaces arginine, which is basic and polar, with serine, which is neutral and polar, at codon 3503 of the VPS13C protein (p.Arg3503Ser).